The following is an entry in ClinVar:

NM_000179.3(MSH6):c.156G>C (p.Glu52Asp)

Gene: MSH6 (mutS homolog 6; plus strand). Cytogenetic location: 2p16.3.
Variant type: single nucleotide variant.
Coding change: c.156G>C on transcript NM_000179.3 (MANE Select); coding-DNA position 156, G replaced by C.
Protein change: p.Glu52Asp; replaces glutamic acid 52 with aspartic acid.
Molecular consequence: missense variant. On other transcripts: 5 prime UTR variant (1).
Genome position (GRCh38, 1-based): chr2:47,783,389, G>C. VCF-style: chr2-47783389-G-C. GRCh37 (hg19) VCF-style: chr2-48010528-G-C.
Other names: c.156G>C, p.Glu52Asp (NM_001281492.2, NM_001406795.1, NM_001406796.1 and 9 more transcripts); c.-581G>C (NM_001281493.2, NM_001406811.1); c.-173G>C (NM_001406799.1); c.101G>C, p.Arg34Thr (NM_001406804.1); c.-773G>C (NM_001406807.1); c.-428G>C (NM_001406812.1); c.-839G>C (NM_001406814.1); c.-384G>C (NM_001406816.1); short protein forms E52D, R34T.
Identifiers: ClinVar variation 2013606 (VCV002013606.4), dbSNP rs1553408285, ClinGen allele CA346734952.
Genomic context (GRCh38, chr2:47,783,389, plus strand): 5'-CCGTGCCGCCGCTGCCCCCGGGGCCTCTCCTTCCCCAGGCGGGGATGCGGCCTGGAGCGA[G>C]GCTGGGCCTGGGCCCAGGCCCTTGGCGCGCTCCGCGTCACCGCCCAAGGCGAAGAACCTC-3'
Protein context (NP_000170.1, residues 42-62): PSPGGDAAWS[Glu52Asp]AGPGPRPLAR

ClinVar aggregate classification (germline): Uncertain significance (1 of 4 stars; one submission).

Conditions:
Hereditary nonpolyposis colorectal neoplasms. Identifiers: MedGen C0009405, MeSH D003123.

Submission:

Labcorp Genetics (formerly Invitae), Labcorp
Classification: Uncertain significance for Hereditary nonpolyposis colorectal neoplasms. Last evaluated: 2022-07-03. Review status: criteria provided, single submitter. Criteria: Invitae Variant Classification Sherloc (09022015). Collection method: clinical testing. Allele origin: germline.
Comment: In summary, the available evidence is currently insufficient to determine the role of this variant in disease. Therefore, it has been classified as a Variant of Uncertain Significance. Advanced modeling of protein sequence and biophysical properties (such as structural, functional, and spatial information, amino acid conservation, physicochemical variation, residue mobility, and thermodynamic stability) performed at Invitae indicates that this missense variant is not expected to disrupt MSH6 protein function. This variant has not been reported in the literature in individuals affected with MSH6-related conditions. This variant is not present in population databases (gnomAD no frequency). This sequence change replaces glutamic acid, which is acidic and polar, with aspartic acid, which is acidic and polar, at codon 52 of the MSH6 protein (p.Glu52Asp).